The following is an entry in ClinVar:

NM_002063.4(GLRA2):c.1054C>T (p.Arg352Ter)

Genes: FANCB (FA complementation group B; minus strand), GLRA2 (glycine receptor alpha 2; plus strand). Cytogenetic location: Xp22.2.
Variant type: single nucleotide variant.
Coding change: c.1054C>T on transcript NM_002063.4 (MANE Select); coding-DNA position 1054, C replaced by T.
Protein change: p.Arg352Ter; replaces arginine 352 with a stop codon.
Molecular consequence: nonsense.
Genome position (GRCh38, 1-based): chrX:14,690,833, C>T. VCF-style: chrX-14690833-C-T. GRCh37 (hg19) VCF-style: chrX-14708955-C-T.
Other names: c.1054C>T, p.Arg352Ter (NM_001118885.2, NM_001118886.2); c.787C>T, p.Arg263Ter (NM_001171942.2); short protein forms R263*, R352*.
Identifiers: ClinVar variation 4532161 (VCV004532161.1).

ClinVar aggregate classification (germline): Uncertain significance (1 of 4 stars; one submission).

Conditions:
Intellectual developmental disorder, X-linked, syndromic, Pilorge type. Identifiers: MedGen C5676881, MONDO:0024772, OMIM 301076.

Submission:

Victorian Clinical Genetics Services, Murdoch Childrens Research Institute
Classification: Uncertain significance for Intellectual developmental disorder, X-linked, syndromic, Pilorge type. Last evaluated: 2025-02-10. Review status: criteria provided, single submitter. Criteria: ACMG Guidelines, 2015. Collection method: clinical testing. Allele origin: germline. Affected: yes.
Comment: This variant is classified as VUS-3A. Evidence in support of pathogenic classification: Variant is predicted to result in a truncated protein (premature termination codon is NOT located at least 54 nucleotides upstream of the final exon-exon junction) with less than 1/3 of the protein sequence affected; Variant is absent from gnomAD (v2, v3 and v4). Additional information: This variant is hemizygous; This gene is associated with X-linked disease; This variant has no previous evidence of pathogenicity; No published segregation evidence has been identified for this variant; No published functional evidence has been identified for this variant; No comparable protein truncating variants have previous evidence for pathogenicity; Loss of function is a known mechanism of disease in this gene and is associated with intellectual developmental disorder, X-linked syndromic, Pilorge type (MIM#301076). Additionally, a gain of function mechanism has been suggested for a single missense variant (PMIDs: 35294868, 26370147); Variants in this gene are known to have variable expressivity (OMIM).

Literature cited by the submitters: PubMed 26370147; PubMed 35294868.